The following is an entry in ClinVar:

ClinVar aggregate classification (germline): Conflicting classifications of pathogenicity. Review status: criteria provided, conflicting classifications (1 of 4 stars). 2 submissions from 2 submitters: Uncertain significance (1); Benign (1). Last evaluated 2024-02-22.

Conditions:
Macrothrombocytopenia and granulocyte inclusions with or without nephritis or sensorineural hearing loss (MATINS). Also called: MAY-HEGGLIN ANOMALY; BLEEDING DISORDER, PLATELET-TYPE, 6; DOHLE LEUKOCYTE INCLUSIONS WITH GIANT PLATELETS; SEBASTIAN PLATELET SYNDROME; MACROTHROMBOCYTOPENIA WITH DISPERSED LEUKOCYTIC INCLUSIONS; MACROTHROMBOCYTOPENIA, NEPHRITIS, AND DEAFNESS. Identifiers: Orphanet 182050, MedGen C5200934, MONDO:0015912, OMIM 155100.

Allele frequency attached by ClinVar (database versions not stated): ExAC 0.00001; gnomAD 0.00001; gnomAD exomes 0.00001; TOPMed 0.00005; 1000 Genomes Project 30x 0.00016; 1000 Genomes Project 0.00020.
gnomAD v4.1: 7 of 1,614,148 alleles (0.00043%); highest among the groups gnomAD compares: East Asian, 0.011%; no homozygotes.

Submissions (2):

Labcorp Genetics (formerly Invitae), Labcorp
Classification: Benign. Last evaluated: 2024-02-22. Review status: criteria provided, single submitter. Criteria: Invitae Variant Classification Sherloc (09022015). Collection method: clinical testing. Allele origin: germline.

Victorian Clinical Genetics Services, Murdoch Childrens Research Institute
Classification: Uncertain significance for Macrothrombocytopenia and granulocyte inclusions with or without nephritis or sensorineural hearing loss. Last evaluated: 2021-05-06. Review status: criteria provided, single submitter. Criteria: ACMG Guidelines, 2015. Collection method: clinical testing. Allele origin: germline. Affected: yes.
Comment: Based on the classification scheme VCGS_Germline_v1.3.4, this variant is classified as VUS-3A. Following criteria are met: 0103 - Dominant negative and loss of function are likely mechanisms of disease in this gene and are associated with deafness, autosomal dominant 17 (MIM#603622) and macrothrombocytopenia and granulocyte inclusions with or without nephritis or sensorineural hearing loss (MIM#155100) (PMID: 20301740, 32545517). (I) 0107 - This gene is associated with autosomal dominant disease. (I) 0115 - Variants in this gene are known to have variable expressivity with regard to age of onset, severity of sensorineural deafness, and the presence/absence of glomerular nephropathy, presenile cataract, and alterations of liver enzymes (PMID: 20301740). (I) 0200 - Variant is predicted to result in a missense amino acid change from glutamine to glutamic acid. (I) 0251 - This variant is heterozygous. (I) 0302 - Variant is present in gnomAD (v2) in the East Asian subpopulation <0.001 for a dominant condition (3 heterozygotes, 0 homozygotes). (SP) 0309 - An alternative amino acid change at the same position has been observed in gnomAD (v2) (1 heterozygote, 0 homozygotes). (I) 0502 - Missense variant with conflicting in silico predictions and uninformative conservation. (I) 0600 - Variant is located in the annotated myosin tail domain (Pfam). (I) 0705 - No comparable missense variants have previous evidence for pathogenicity. (I) 0803 - This variant has limited previous evidence of pathogenicity in an unrelated individual. This variant was described in an individual with MYH9-related disease in an abstract to the International Society on Thrombosis and Haemostasis 2020 Congress (Dou et al. 2020). (SP) 0905 - No published segregation evidence has been identified for this variant. (I) 1007 - No published functional evidence has been identified for this variant. (I) 1102 - Strong phenotype match for this individual. (SP) 1208 - Inheritance information for this variant is not currently available in this individual. (I) Legend: (SP) - Supporting pathogenic, (I) - Information, (SB) - Supporting benign

Literature cited by the submitters: PubMed 20301740 (cited by Victorian Clinical Genetics Services, Murdoch Childrens Research Institute); PubMed 32545517 (cited by Victorian Clinical Genetics Services, Murdoch Childrens Research Institute).

NM_002473.6(MYH9):c.4258C>G (p.Gln1420Glu)

Gene: MYH9 (myosin heavy chain 9; minus strand). Cytogenetic location: 22q12.3.
Variant type: single nucleotide variant.
Coding change: c.4258C>G on transcript NM_002473.6 (MANE Select); coding-DNA position 4258, C replaced by G.
Protein change: p.Gln1420Glu; replaces glutamine 1420 with glutamic acid.
Molecular consequence: missense variant.
Genome position (GRCh38, 1-based): chr22:36,292,072, G>C on the plus strand (C>G on the coding strand, the complement: MYH9 is on the minus strand). VCF-style: chr22-36292072-G-C. GRCh37 (hg19) VCF-style: chr22-36688118-G-C.
Other names: short protein forms Q1420E.
Identifiers: ClinVar variation 1805344 (VCV001805344.4), dbSNP rs200510675, ClinGen allele CA10209420.